The following is an entry in ClinVar:

NM_001277115.2(DNAH11):c.5062C>G (p.Pro1688Ala)

Gene: DNAH11 (dynein axonemal heavy chain 11; plus strand). Cytogenetic location: 7p15.3.
Variant type: single nucleotide variant.
Coding change: c.5062C>G on transcript NM_001277115.2 (MANE Select); coding-DNA position 5062, C replaced by G.
Protein change: p.Pro1688Ala; replaces proline 1688 with alanine.
Molecular consequence: missense variant.
Genome position (GRCh38, 1-based): chr7:21,655,949, C>G. VCF-style: chr7-21655949-C-G. GRCh37 (hg19) VCF-style: chr7-21695567-C-G.
Other names: short protein forms P1688A.
Identifiers: ClinVar variation 3272607 (VCV003272607.1).

ClinVar aggregate classification (germline): Uncertain significance (1 of 4 stars; one submission).

Conditions:
Primary ciliary dyskinesia. Also called: Ciliary dyskinesia. Identifiers: Orphanet 244, MedGen C0008780, MONDO:0016575, HP:0012265.

gnomAD v4.1: 5 of 1,608,726 alleles (0.00031%); highest among the groups gnomAD compares: South Asian, 0.0022%; no homozygotes.

Submission:

Ambry Genetics
Classification: Uncertain significance for Primary ciliary dyskinesia. Last evaluated: 2024-04-07. Review status: criteria provided, single submitter. Criteria: Ambry Variant Classification Scheme 2023. Collection method: clinical testing. Allele origin: germline.
Comment: The p.P1688A variant (also known as c.5062C>G), located in coding exon 29 of the DNAH11 gene, results from a C to G substitution at nucleotide position 5062. The proline at codon 1688 is replaced by alanine, an amino acid with highly similar properties. This amino acid position is conserved. In addition, this alteration is predicted to be tolerated by in silico analysis. Based on the available evidence, the clinical significance of this variant remains unclear.